The following is an entry in ClinVar:

NC_000001.10:g.(?_216348570)_(216538437_?)dup

Gene: USH2A (usherin; minus strand). Cytogenetic location: 1q41.
Variant type: Duplication.
Identifiers: ClinVar variation 1349510 (VCV001349510.3).

ClinVar aggregate classification (germline): Likely pathogenic (1 of 4 stars; one submission).

Submission:

Labcorp Genetics (formerly Invitae), Labcorp
Classification: Likely pathogenic. Last evaluated: 2021-09-17. Review status: criteria provided, single submitter. Criteria: Invitae Variant Classification Sherloc (09022015). Collection method: clinical testing. Allele origin: germline.
Comment: This variant results in a copy number gain of the genomic region encompassing exon(s) 4-21 of the USH2A gene. While the exact position of this variant cannot be determined from the data, sub-genic copy number gains are generally in tandem (PMID: 25640679). This variant is predicted to be out-of-frame, and may result in an absent or disrupted protein product. Loss-of-function variants in USH2A are known to be pathogenic (PMID: 10729113, 10909849, 20507924, 25649381). This variant has not been reported in the literature in individuals affected with USH2A-related conditions. In summary, the currently available evidence indicates that the variant is pathogenic, but additional data are needed to prove that conclusively. Therefore, this variant has been classified as Likely Pathogenic.

Literature cited by the submitters: PubMed 25640679; PubMed 10729113; PubMed 10909849; PubMed 20507924; PubMed 25649381.